The following is an entry in ClinVar:

NM_000719.7(CACNA1C):c.4916T>C (p.Leu1639Pro)

Genes: CACNA1C (calcium voltage-gated channel subunit alpha1 C; plus strand), CACNA1C-AS1 (CACNA1C antisense RNA 1; minus strand). Cytogenetic location: 12p13.33.
Variant type: single nucleotide variant.
Coding change: c.4916T>C on transcript NM_000719.7 (MANE Select); coding-DNA position 4916, T replaced by C.
Protein change: p.Leu1639Pro; replaces leucine 1639 with proline.
Molecular consequence: missense variant. On other transcripts: non-coding transcript variant (1).
Genome position (GRCh38, 1-based): chr12:2,677,181, T>C. VCF-style: chr12-2677181-T-C. GRCh37 (hg19) VCF-style: chr12-2786347-T-C.
Other names: c.5060T>C, p.Leu1687Pro (NM_001129827.2, NM_199460.4); c.5039T>C, p.Leu1680Pro (NM_001129829.2); c.4916T>C, p.Leu1639Pro (NM_001129830.3, NM_001129840.2, NM_001129841.2 and 4 more transcripts); c.5000T>C, p.Leu1667Pro (NM_001129831.2); c.4976T>C, p.Leu1659Pro (NM_001129832.2); c.4973T>C, p.Leu1658Pro (NM_001129833.2, NM_001129834.2, NM_001129835.2); c.4967T>C, p.Leu1656Pro (NM_001129836.2); c.4940T>C, p.Leu1647Pro (NM_001129837.2, NM_001129838.2); and 3 more; short protein forms L1636P, L1659P, L1628P, L1639P, L1658P, L1680P, L1645P, L1647P.
Identifiers: ClinVar variation 5008172 (VCV005008172.1).

ClinVar aggregate classification (germline): Uncertain significance (1 of 4 stars; one submission).

Submission:

GeneDx
Classification: Uncertain significance. Last evaluated: 2026-03-02. Review status: criteria provided, single submitter. Criteria: GeneDx Variant Classification Process June 2021. Collection method: clinical testing. Allele origin: germline.
Comment: Not observed at significant frequency in large population cohorts (gnomAD); In silico analysis supports that this missense variant has a deleterious effect on protein structure/function; Has not been previously published as pathogenic or benign to our knowledge